The following is an entry in ClinVar:

ClinVar aggregate classification (germline): Uncertain significance. Review status: criteria provided, multiple submitters, no conflicts (2 of 4 stars). 2 submissions from 2 submitters: Uncertain significance (2). Last evaluated 2026-06-24.

Conditions:
Hereditary cancer-predisposing syndrome. Also called: Neoplastic Syndromes, Hereditary; Tumor predisposition; Hereditary Cancer Syndrome; Hereditary neoplastic syndrome. Identifiers: Orphanet 140162, MedGen C0027672, MeSH D009386, MONDO:0015356.
Ataxia-telangiectasia syndrome (AT). Also called: Ataxia telangiectasia (A-T); ATAXIA-TELANGIECTASIA, COMPLEMENTATION GROUP A; ATAXIA-TELANGIECTASIA, FRESNO VARIANT; Ataxia-telangiectasia; Ataxia-telangiectasia, complementation group E; LOUIS-BAR SYNDROME. Identifiers: Orphanet 100, MedGen C0004135, MONDO:0008840, OMIM 208900.

Submissions (2):

Ambry Genetics
Classification: Uncertain significance for Hereditary cancer-predisposing syndrome. Last evaluated: 2026-06-24. Review status: criteria provided, single submitter. Criteria: Ambry Variant Classification Scheme 2023. Collection method: clinical testing. Allele origin: germline.
Comment: The p.L2722R variant (also known as c.8165T>G), located in coding exon 55 of the ATM gene, results from a T to G substitution at nucleotide position 8165. The leucine at codon 2722 is replaced by arginine, an amino acid with dissimilar properties. In an assay testing ATM function, this variant showed a functionally abnormal result (Lee KS et al. Cell, 2025 Sep;188:5081-5099.e27). This amino acid position is highly conserved in available vertebrate species. In addition, this alteration is predicted to be deleterious by in silico analysis. Based on the available evidence, the clinical significance of this variant remains unclear.

Labcorp Genetics (formerly Invitae), Labcorp
Classification: Uncertain significance for Ataxia-telangiectasia syndrome. Last evaluated: 2020-03-07. Review status: criteria provided, single submitter. Criteria: Invitae Variant Classification Sherloc (09022015). Collection method: clinical testing. Allele origin: germline.
Comment: This sequence change replaces leucine with arginine at codon 2722 of the ATM protein (p.Leu2722Arg). The leucine residue is highly conserved and there is a moderate physicochemical difference between leucine and arginine. In summary, the available evidence is currently insufficient to determine the role of this variant in disease. Therefore, it has been classified as a Variant of Uncertain Significance. Algorithms developed to predict the effect of missense changes on protein structure and function (SIFT, PolyPhen-2, Align-GVGD) all suggest that this variant is likely to be disruptive, but these predictions have not been confirmed by published functional studies and their clinical significance is uncertain. This variant has not been reported in the literature in individuals with ATM-related conditions. This variant is not present in population databases (ExAC no frequency).

Literature cited by the submitters: PubMed 40580951 (cited by Ambry Genetics).

NM_000051.4(ATM):c.8165T>G (p.Leu2722Arg)

Genes: ATM (ATM serine/threonine kinase; plus strand), C11orf65 (chromosome 11 open reading frame 65; minus strand). Cytogenetic location: 11q22.3.
Variant type: single nucleotide variant.
Coding change: c.8165T>G on transcript NM_000051.4 (MANE Select); coding-DNA position 8165, T replaced by G.
Protein change: p.Leu2722Arg; replaces leucine 2722 with arginine.
Molecular consequence: missense variant. On other transcripts: intron variant (2).
Genome position (GRCh38, 1-based): chr11:108,335,858, T>G. VCF-style: chr11-108335858-T-G. GRCh37 (hg19) VCF-style: chr11-108206585-T-G.
Other names: c.8165T>G, p.Leu2722Arg (NM_001351834.2); c.641-26787A>C (NM_001330368.2); c.695-566A>C (NM_001351110.2); short protein forms L2722R.
Identifiers: ClinVar variation 1018705 (VCV001018705.10), dbSNP rs2086784272, ClinGen allele CA382562483.